The following is an entry in ClinVar:

ClinVar aggregate classification (germline): Benign. Review status: criteria provided, multiple submitters, no conflicts (2 of 4 stars). 2 submissions from 2 submitters: Benign (2). Last evaluated 2018-06-16.

Allele frequency attached by ClinVar (database versions not stated): gnomAD exomes 0.01953; ExAC 0.05164; gnomAD 0.06021 and 0.06372; TOPMed 0.06424; 1000 Genomes Project 0.06789; 1000 Genomes Project 30x 0.07261.
gnomAD v4.1: 26,084 of 1,459,518 alleles (1.8%); highest among the groups gnomAD compares: African/African-American, 19%; 1,401 homozygotes.

Submissions (2):

GeneDx
Classification: Benign. Last evaluated: 2018-06-16. Review status: criteria provided, single submitter. Criteria: GeneDx Variant Classification (06012015). Collection method: clinical testing. Allele origin: germline. Affected: yes.
Comment: This variant is considered likely benign or benign based on one or more of the following criteria: it is a conservative change, it occurs at a poorly conserved position in the protein, it is predicted to be benign by multiple in silico algorithms, and/or has population frequency not consistent with disease.

Breakthrough Genomics
Classification: Benign. Review status: criteria provided, single submitter. Criteria: ACMG Guidelines, 2015. Collection method: not provided. Allele origin: germline. Inheritance: Autosomal dominant inheritance. Affected: yes.

NM_001540.5(HSPB1):c.364+82C>A

Gene: HSPB1 (heat shock protein family B (small) member 1; plus strand). Cytogenetic location: 7q11.23.
Variant type: single nucleotide variant.
Coding change: c.364+82C>A on transcript NM_001540.5 (MANE Select); 82 bases into the intron after coding-DNA position 364, C replaced by A.
Molecular consequence: intron variant.
Genome position (GRCh38, 1-based): chr7:76,303,158, C>A. VCF-style: chr7-76303158-C-A. GRCh37 (hg19) VCF-style: chr7-75932475-C-A.
Identifiers: ClinVar variation 674243 (VCV000674243.2), dbSNP rs28708645, ClinGen allele CA4306329.